The following is an entry in ClinVar:

ClinVar aggregate classification (germline): Uncertain significance (1 of 4 stars; one submission).

gnomAD v4.1: 6 of 1,173,818 alleles (0.00051%); highest among the groups gnomAD compares: East Asian, 0.003%; no homozygotes.

Submission:

GeneDx
Classification: Uncertain significance. Last evaluated: 2026-03-19. Review status: criteria provided, single submitter. Criteria: GeneDx Variant Classification Process June 2021. Collection method: clinical testing. Allele origin: germline.
Comment: In silico analysis suggests that this missense variant does not alter protein structure/function; Has not been previously published as pathogenic or benign to our knowledge

NM_004187.5(KDM5C):c.4664C>T (p.Pro1555Leu)

Gene: KDM5C (lysine demethylase 5C; minus strand). Cytogenetic location: Xp11.22.
Variant type: single nucleotide variant.
Coding change: c.4664C>T on transcript NM_004187.5 (MANE Select); coding-DNA position 4664, C replaced by T.
Protein change: p.Pro1555Leu; replaces proline 1555 with leucine.
Molecular consequence: missense variant. On other transcripts: intron variant (5).
Genome position (GRCh38, 1-based): chrX:53,192,986, G>A on the plus strand (C>T on the coding strand, the complement: KDM5C is on the minus strand). VCF-style: chrX-53192986-G-A. GRCh37 (hg19) VCF-style: chrX-53222168-G-A.
Other names: c.4661C>T, p.Pro1554Leu (NM_001282622.3); c.4655C>T, p.Pro1552Leu (NM_001353978.3); c.4305+451C>T (NM_001353982.2); c.4314+451C>T (NM_001353979.2); c.4308+451C>T (NM_001353981.2, NM_001353984.2); c.4047-149C>T (NM_001146702.2); short protein forms P1554L, P1552L, P1555L.
Identifiers: ClinVar variation 5009162 (VCV005009162.1).
Genomic context (GRCh38, chrX:53,192,986, plus strand): 5'-AGGGGGGTCTCTGTCAGGGTCTGTGCTAGGCTCAGCCACTGTCACAACTGTTGCTGAGGC[G>A]GCTGCTGTGGGCAGGGCAGATGCAGCCGGGGAGTCAGAGTGGAGAAAGGGGCCGAGGGGC-3'
Protein context (NP_004178.2, residues 1545-1560): PRLHLPCPQQ[Pro1555Leu]PQQQL